The following is an entry in ClinVar:

ClinVar aggregate classification (germline): Conflicting classifications of pathogenicity. Review status: criteria provided, conflicting classifications (1 of 4 stars). 4 submissions from 4 submitters: Uncertain significance (1); Likely benign (3). Last evaluated 2025-01-12.

Conditions:
Frasier syndrome. Identifiers: Orphanet 347, MedGen C0950122, MeSH D052159, MONDO:0007635, OMIM 136680.
Drash syndrome (DDS). Also called: NEPHROPATHY, WILMS TUMOR, AND GENITAL ANOMALIES; WILMS TUMOR AND PSEUDO- OR TRUE HERMAPHRODITISM. Identifiers: Orphanet 220, MedGen C0950121, MONDO:0008682, OMIM 194080.
Wilms tumor 1 (WT1). Also called: Wilms tumor, somatic. Identifiers: Orphanet 654, MedGen CN033288, MONDO:0008679, OMIM 194070.
11p partial monosomy syndrome (WAGR). Also called: WAGR syndrome; WAGR Complex; CHROMOSOME 11p13 DELETION SYNDROME; WAGR Spectrum Disorder. Identifiers: Orphanet 893, MedGen C0206115, MONDO:0008681, OMIM 194072.
Inborn genetic diseases. Identifiers: MedGen C0950123, MeSH D030342.

Allele frequency attached by ClinVar (database versions not stated): ExAC 0.00001; gnomAD exomes 0.00002 and 0.00005.
gnomAD v4.1: 70 of 1,614,080 alleles (0.0043%); highest among the groups gnomAD compares: Non-Finnish European, 0.0059%; no homozygotes.

Submissions (4):

Labcorp Genetics (formerly Invitae), Labcorp
Classification: Likely benign for Wilms tumor 1; Drash syndrome; 11p partial monosomy syndrome; Frasier syndrome. Last evaluated: 2025-01-12. Review status: criteria provided, single submitter. Criteria: Invitae Variant Classification Sherloc (09022015). Collection method: clinical testing. Allele origin: germline.

Ambry Genetics
Classification: Likely benign for Inborn genetic diseases. Last evaluated: 2025-01-03. Review status: criteria provided, single submitter. Criteria: Ambry Variant Classification Scheme 2023. Collection method: clinical testing. Allele origin: germline.

GeneDx
Classification: Uncertain significance. Last evaluated: 2024-03-15. Review status: criteria provided, single submitter. Criteria: GeneDx Variant Classification Process June 2021. Collection method: clinical testing. Allele origin: germline. Affected: yes.
Comment: Not observed at significant frequency in large population cohorts (gnomAD); In silico analysis supports that this variant does not alter splicing; Has not been previously published as pathogenic or benign to our knowledge

All of Us Research Program, National Institutes of Health
Classification: Likely benign for Wilms tumor 1. Last evaluated: 2023-11-20. Review status: criteria provided, single submitter. Criteria: ACMG Guidelines, 2015. Collection method: clinical testing. Allele origin: germline. Inheritance: Autosomal dominant inheritance. Observed: 1 variant allele, 1 heterozygote.
Comment: This study involves interpretation of variants in research participants for the purpose of population health screening. Participant phenotype was not available at the time of variant classification. Additional details can be found in publication PMID: 35346344, PMCID: PMC8962531

NM_024426.6(WT1):c.996A>G (p.Lys332=)

Gene: WT1 (WT1 transcription factor; minus strand). Cytogenetic location: 11p13.
Variant type: single nucleotide variant.
Coding change: c.996A>G on transcript NM_024426.6 (MANE Select); coding-DNA position 996, A replaced by G.
Protein change: p.Lys332=; no amino-acid change (lysine 332 retained).
Molecular consequence: synonymous variant. On other transcripts: non-coding transcript variant (1), intron variant (6).
Genome position (GRCh38, 1-based): chr11:32,416,510, T>C on the plus strand (A>G on the coding strand, the complement: WT1 is on the minus strand). VCF-style: chr11-32416510-T-C. GRCh37 (hg19) VCF-style: chr11-32438056-T-C.
Other names: c.345A>G, p.Lys115= (NM_001198551.2); c.996A>G, p.Lys332= (NM_001407044.1, NM_001407046.1, NM_024424.5); c.873A>G, p.Lys291= (NM_001407047.1); c.234A>G, p.Lys78= (NM_001407051.1); c.842+1067A>G (NM_001407050.1); c.965+1067A>G (NM_001407048.1, NM_001407049.1, NM_000378.6 and 1 more transcripts); c.314+1067A>G (NM_001198552.2).
Identifiers: ClinVar variation 698690 (VCV000698690.14), dbSNP rs758410591, ClinGen allele CA066000.